The following is an entry in ClinVar:

ClinVar aggregate classification (germline): Uncertain significance (1 of 4 stars; one submission).

gnomAD v4.1: 2 of 1,614,142 alleles (0.00012%); highest among the groups gnomAD compares: Admixed American, 0.0017%; no homozygotes.

Submission:

GeneDx
Classification: Uncertain significance. Last evaluated: 2024-11-26. Review status: criteria provided, single submitter. Criteria: GeneDx Variant Classification Process June 2021. Collection method: clinical testing. Allele origin: germline. Affected: yes.
Comment: Not observed at significant frequency in large population cohorts (gnomAD); In silico analysis supports that this missense variant has a deleterious effect on protein structure/function; Has not been previously published as pathogenic or benign to our knowledge

NM_207037.2(TCF12):c.1344T>A (p.Ser448Arg)

Gene: TCF12 (transcription factor 12; plus strand). Cytogenetic location: 15q21.3.
Variant type: single nucleotide variant.
Coding change: c.1344T>A on transcript NM_207037.2 (MANE Select); coding-DNA position 1344, T replaced by A.
Protein change: p.Ser448Arg; replaces serine 448 with arginine.
Molecular consequence: missense variant.
Genome position (GRCh38, 1-based): chr15:57,253,345, T>A. VCF-style: chr15-57253345-T-A. GRCh37 (hg19) VCF-style: chr15-57545543-T-A.
Other names: c.834T>A, p.Ser278Arg (NM_001306219.3); c.564T>A, p.Ser188Arg (NM_001306220.3); c.1344T>A, p.Ser448Arg (NM_001322151.2, NM_001322152.2, NM_001322159.3 and 2 more transcripts); c.687T>A, p.Ser229Arg (NM_001322154.2); c.1170T>A, p.Ser390Arg (NM_001322156.2); c.1272T>A, p.Ser424Arg (NM_001322157.3, NM_001322165.2, NM_003205.4 and 1 more transcripts); c.1098T>A, p.Ser366Arg (NM_001322158.2); c.1341T>A, p.Ser447Arg (NM_001322161.2); and 2 more; short protein forms S188R, S229R, S254R, S278R, S366R, S390R, S424R, S436R.
Identifiers: ClinVar variation 3900785 (VCV003900785.1).